The following is an entry in ClinVar:

ClinVar aggregate classification (germline): Uncertain significance. Review status: criteria provided, multiple submitters, no conflicts (2 of 4 stars). 2 submissions from 2 submitters: Uncertain significance (2). Last evaluated 2025-01-31.

Conditions:
Hypertrophic cardiomyopathy. Also called: HYPERTROPHIC MYOCARDIOPATHY. Identifiers: Orphanet 217569, MedGen C0007194, MeSH D002312, MONDO:0005045, HP:0001639.

Allele frequency attached by ClinVar (database versions not stated): gnomAD exomes below 0.00001.
gnomAD v4.1: 1 of 1,561,942 alleles (0.000064%); highest among the groups gnomAD compares: Admixed American, 0.0019%; no homozygotes.

Submissions (2):

GeneDx
Classification: Uncertain significance. Last evaluated: 2025-01-31. Review status: criteria provided, single submitter. Criteria: GeneDx Variant Classification Process June 2021. Collection method: clinical testing. Allele origin: germline. Affected: yes.
Comment: Not observed at significant frequency in large population cohorts (gnomAD); In silico analysis supports that this missense variant has a deleterious effect on protein structure/function; Has not been previously published as pathogenic or benign to our knowledge

All of Us Research Program, National Institutes of Health
Classification: Uncertain significance for Hypertrophic cardiomyopathy. Last evaluated: 2023-11-02. Review status: criteria provided, single submitter. Criteria: ACMG Guidelines, 2015. Collection method: clinical testing. Allele origin: germline. Inheritance: Autosomal dominant inheritance. Observed: 1 variant allele, 1 heterozygote.
Comment: This missense variant replaces proline with leucine at codon 893 of the MYBPC3 protein. Computational prediction suggests that this variant may have deleterious impact on protein structure and function (internally defined REVEL score threshold >= 0.7, PMID: 27666373). To our knowledge, functional studies have not been reported for this variant. This variant has not been reported in individuals affected with MYBPC3-related disorders in the literature. This variant has been identified in 1/184634 chromosomes in the general population by the Genome Aggregation Database (gnomAD). The available evidence is insufficient to determine the role of this variant in disease conclusively. Therefore, this variant is classified as a Variant of Uncertain Significance.

This study involves interpretation of variants in research participants for the purpose of population health screening. Participant phenotype was not available at the time of variant classification. Additional details can be found in publication PMID: 35346344, PMCID: PMC8962531

NM_000256.3(MYBPC3):c.2678C>T (p.Pro893Leu)

Gene: MYBPC3 (myosin binding protein C3; minus strand). Cytogenetic location: 11p11.2.
Variant type: single nucleotide variant.
Coding change: c.2678C>T on transcript NM_000256.3 (MANE Select); coding-DNA position 2678, C replaced by T.
Protein change: p.Pro893Leu; replaces proline 893 with leucine.
Molecular consequence: missense variant.
Genome position (GRCh38, 1-based): chr11:47,335,936, G>A on the plus strand (C>T on the coding strand, the complement: MYBPC3 is on the minus strand). VCF-style: chr11-47335936-G-A. GRCh37 (hg19) VCF-style: chr11-47357487-G-A.
Other names: short protein forms P893L.
Identifiers: ClinVar variation 3074236 (VCV003074236.2), dbSNP rs1463381310, ClinGen allele CA380317319.